The following is an entry in ClinVar:

NM_016239.4(MYO15A):c.9216C>T (p.Thr3072=)

Gene: MYO15A (myosin XVA; plus strand). Cytogenetic location: 17p11.2.
Variant type: single nucleotide variant.
Coding change: c.9216C>T on transcript NM_016239.4 (MANE Select); coding-DNA position 9216, C replaced by T.
Protein change: p.Thr3072=; no amino-acid change (threonine 3072 retained).
Molecular consequence: synonymous variant.
Genome position (GRCh38, 1-based): chr17:18,159,334, C>T. VCF-style: chr17-18159334-C-T. GRCh37 (hg19) VCF-style: chr17-18062648-C-T.
Other names: c.9216C>T (NM_016239.3).
Identifiers: ClinVar variation 2985754 (VCV002985754.4), dbSNP rs775069515, ClinGen allele CA8425421.

ClinVar aggregate classification (germline): Likely benign. Review status: criteria provided, multiple submitters, no conflicts (2 of 4 stars). 2 submissions from 2 submitters: Likely benign (2). Last evaluated 2025-07-21.

Conditions:
MYO15A-related disorder. Also called: MYO15A-related condition.

Allele frequency attached by ClinVar (database versions not stated): gnomAD exomes below 0.00001; gnomAD 0.00001; ExAC 0.00002; TOPMed 0.00002.
gnomAD v4.1: 7 of 1,614,072 alleles (0.00043%); highest among the groups gnomAD compares: South Asian, 0.0022%; no homozygotes.

Submissions (2):

PreventionGenetics, part of Exact Sciences
Classification: Likely benign for MYO15A-related condition. Last evaluated: 2025-07-21. Review status: criteria provided, single submitter. Criteria: ACMG Guidelines, 2015. Collection method: clinical testing. Allele origin: germline.
Comment: This variant is classified as likely benign based on ACMG/AMP sequence variant interpretation guidelines (Richards et al. 2015 PMID: 25741868, with internal and published modifications).

Labcorp Genetics (formerly Invitae), Labcorp
Classification: Likely benign. Last evaluated: 2024-01-08. Review status: criteria provided, single submitter. Criteria: Invitae Variant Classification Sherloc (09022015). Collection method: clinical testing. Allele origin: germline.